The following is an entry in ClinVar:

ClinVar aggregate classification (germline): Uncertain significance (1 of 4 stars; one submission).

Conditions:
Mitochondrial hypertrophic cardiomyopathy with lactic acidosis due to MTO1 deficiency. Also called: CARDIOMYOPATHY, INFANTILE HYPERTROPHIC MITOCHONDRIAL, AND LACTIC ACIDOSIS; Combined oxidative phosphorylation deficiency 10. Identifiers: Orphanet 314637, MedGen C4749921, MONDO:0013865, OMIM 614702.

Submission:

Labcorp Genetics (formerly Invitae), Labcorp
Classification: Uncertain significance for Mitochondrial hypertrophic cardiomyopathy with lactic acidosis due to MTO1 deficiency. Last evaluated: 2021-10-13. Review status: criteria provided, single submitter. Criteria: Invitae Variant Classification Sherloc (09022015). Collection method: clinical testing. Allele origin: germline.
Comment: In summary, the available evidence is currently insufficient to determine the role of this variant in disease. Therefore, it has been classified as a Variant of Uncertain Significance. Experimental studies and prediction algorithms are not available or were not evaluated, and the functional significance of this variant is currently unknown. This variant has not been reported in the literature in individuals affected with MTO1-related conditions. This variant is not present in population databases (ExAC no frequency). This sequence change creates a premature translational stop signal (p.His633Ilefs*17) in the MTO1 gene. While this is not anticipated to result in nonsense mediated decay, it is expected to disrupt the last 60 amino acid(s) of the MTO1 protein.

NM_012123.4(MTO1):c.1896del (p.His633fs)

Gene: MTO1 (mitochondrial tRNA translation optimization 1; plus strand). Cytogenetic location: 6q13.
Variant type: Deletion.
Coding change: c.1896del on transcript NM_012123.4 (MANE Select); coding-DNA position 1896, one base deleted (A; older notation c.1896delA).
Protein change: p.His633fs; shifts the reading frame from histidine 633.
Molecular consequence: frameshift variant.
Genome position (GRCh38, 1-based): chr6:73,497,875, A deleted. VCF-style (leftmost placement, unchanged base first): chr6-73497874-TA-T. GRCh37 (hg19) VCF-style: chr6-74207597-TA-T.
Other names: c.2016del, p.His673fs (NM_001123226.2); c.1971del, p.His658fs (NM_133645.3); short protein forms H673fs, H633fs, H658fs.
Identifiers: ClinVar variation 1525252 (VCV001525252.6), dbSNP rs2150045040, ClinGen allele CA2573141121.